The following is an entry in ClinVar:

NM_000540.3(RYR1):c.5814+271C>T

Gene: RYR1 (ryanodine receptor 1; plus strand). Cytogenetic location: 19q13.2.
Variant type: single nucleotide variant.
Coding change: c.5814+271C>T on transcript NM_000540.3 (MANE Select); 271 bases into the intron after coding-DNA position 5814, C replaced by T.
Molecular consequence: intron variant.
Genome position (GRCh38, 1-based): chr19:38,489,714, C>T. VCF-style: chr19-38489714-C-T. GRCh37 (hg19) VCF-style: chr19-38980354-C-T.
Other names: c.5814+271C>T (NM_001042723.2).
Identifiers: ClinVar variation 673682 (VCV000673682.1), dbSNP rs188586940, ClinGen allele CA308097047.

ClinVar aggregate classification (germline): Likely benign (1 of 4 stars; one submission).

Allele frequency attached by ClinVar (database versions not stated): gnomAD 0.00461 and 0.00491; 1000 Genomes Project 0.00559; TOPMed 0.00581; 1000 Genomes Project 30x 0.00609.
gnomAD v4.1: 696 of 152,204 alleles (0.46%); highest among the groups gnomAD compares: African/African-American, 1.6%; 8 homozygotes.

Submission:

GeneDx
Classification: Likely benign. Last evaluated: 2018-06-16. Review status: criteria provided, single submitter. Criteria: GeneDx Variant Classification (06012015). Collection method: clinical testing. Allele origin: germline. Affected: yes.
Comment: This variant is considered likely benign or benign based on one or more of the following criteria: it is a conservative change, it occurs at a poorly conserved position in the protein, it is predicted to be benign by multiple in silico algorithms, and/or has population frequency not consistent with disease.